The following is an entry in ClinVar:

NM_001044385.3(TMEM237):c.487C>T (p.Gln163Ter)

Gene: TMEM237 (transmembrane protein 237; minus strand). Cytogenetic location: 2q33.1.
Variant type: single nucleotide variant.
Coding change: c.487C>T on transcript NM_001044385.3 (MANE Select); coding-DNA position 487, C replaced by T.
Protein change: p.Gln163Ter; replaces glutamine 163 with a stop codon.
Molecular consequence: nonsense.
Genome position (GRCh38, 1-based): chr2:201,632,117, G>A on the plus strand (C>T on the coding strand, the complement: TMEM237 is on the minus strand). VCF-style: chr2-201632117-G-A. GRCh37 (hg19) VCF-style: chr2-202496840-G-A.
Other names: c.463C>T, p.Gln155Ter (NM_152388.4); short protein forms Q155*, Q163*.
Identifiers: ClinVar variation 3236134 (VCV003236134.1), dbSNP rs2469498081, ClinGen allele CA350312990.

ClinVar aggregate classification (germline): Pathogenic (1 of 4 stars; one submission).

Conditions:
Joubert syndrome 14 (JBTS14). Identifiers: MedGen C3280766, MONDO:0013745, OMIM 614424.

Submission:

MVZ Medizinische Genetik Mainz
Classification: Pathogenic for Joubert syndrome 14. Last evaluated: 2023-12-13. Review status: criteria provided, single submitter. Criteria: UK Practice Guidelines For Variant Classification V4 01 2020. Collection method: clinical testing. Allele origin: germline. Inheritance: Autosomal recessive inheritance. Affected: yes. Observed: 1 variant allele.
Comment: ACMG Criteria: PVS1,PM2_SUP,PM3_SUP,PP4